The following is an entry in ClinVar:

NM_000018.4(ACADVL):c.194C>T (p.Pro65Leu)

Gene: ACADVL (acyl-CoA dehydrogenase very long chain; plus strand). Cytogenetic location: 17p13.1.
Variant type: single nucleotide variant.
Coding change: c.194C>T on transcript NM_000018.4 (MANE Select); coding-DNA position 194, C replaced by T.
Protein change: p.Pro65Leu; replaces proline 65 with leucine.
Molecular consequence: missense variant. On other transcripts: 5 prime UTR variant (1), intron variant (1).
Genome position (GRCh38, 1-based): chr17:7,220,519, C>T. VCF-style: chr17-7220519-C-T. GRCh37 (hg19) VCF-style: chr17-7123838-C-T.
Other names: p.P65L:CCG>CTG; NM_000018.4(ACADVL):c.194C>T; c.263C>T, p.Pro88Leu (NM_001270447.2); c.-35C>T (NM_001270448.2); c.139-85C>T (NM_001033859.3); short protein forms P65L, P88L.
Identifiers: ClinVar variation 38798 (VCV000038798.39), dbSNP rs28934585, ClinGen allele CA285292.

ClinVar aggregate classification (germline): Benign. Review status: reviewed by expert panel (3 of 4 stars). 12 submissions from 12 submitters: Benign (1). 11 of the submissions do not count toward it. Last evaluated 2022-03-08.

Conditions:
Very long chain acyl-CoA dehydrogenase deficiency (ACADVLD). Also called: VLCAD Deficiency; Very Long-Chain Acyl-Coenzyme A Dehydrogenase Deficiency. Identifiers: Orphanet 26793, MedGen C3887523, MONDO:0008723, OMIM 201475.

Allele frequency attached by ClinVar (database versions not stated): gnomAD 0.03250 and 0.03462; 1000 Genomes Project 0.03914; gnomAD exomes 0.00823 and 0.00302; ExAC 0.01048; TOPMed 0.03618; 1000 Genomes Project 30x 0.03982.
gnomAD v4.1: 9,614 of 1,614,186 alleles (0.6%); highest among the groups gnomAD compares: African/African-American, 11%; 494 homozygotes.

Submissions (12):

ClinGen ACADVL Variant Curation Expert Panel, ClinGen
Classification: Benign for Very long chain acyl-CoA dehydrogenase deficiency. Last evaluated: 2022-03-08. Review status: reviewed by expert panel. Criteria: clingen acadvl acmg specifications v1. Collection method: curation. Allele origin: germline. Inheritance: Autosomal recessive inheritance.
Comment: The c.194C>T variant in ACADVL is a missense variant predicted to cause substitution of proline by leucine at amino acid 65 (p.Pro65Leu). The highest population minor allele frequency in gnomAD v2.1.1 is 0.1129 in the African/African American population, which is higher than the ClinGen ACADVL Variant Curation Expert Panel threshold (≥0.007) for BA1, and therefore meets this criterion (BA1). Palmitoyl-CoA dehydrogenase activity in VLCAD-null fibroblasts transfected with c.194C>T cDNA showed activity comparable to the cells transfected with wild-type cDNA indicating that this variant does not impact protein function (PMID: 10790204, BS3_supporting). The computational predictor REVEL gives a score of 0.276, which is below the threshold of 0.5, evidence that does not predict a damaging effect on ACADVL function (BP4). In summary, this variant meets the criteria to be classified as benign for autosomal recessive very long chain acyl-CoA dehydrogenase (VLCAD) deficiency based on the ACMG/AMP criteria applied, as specified by the ClinGen ACADVL Variant Curation Expert Panel: BA1, BS3_supporting, BP4 (VCEP specifications v2.0, approved on 09/16/2021).

Labcorp Genetics (formerly Invitae), Labcorp
Classification: Benign for Very long chain acyl-CoA dehydrogenase deficiency. Last evaluated: 2026-02-03. Review status: criteria provided, single submitter. Criteria: Invitae Variant Classification Sherloc (09022015). Collection method: clinical testing. Allele origin: germline. Not counted in ClinVar's aggregate classification.

ARUP Laboratories, Molecular Genetics and Genomics, ARUP Laboratories
Classification: Benign for Very long chain acyl-CoA dehydrogenase deficiency. Last evaluated: 2025-04-22. Review status: criteria provided, single submitter. Criteria: ARUP Molecular Germline Variant Investigation Process 2024. Collection method: clinical testing. Allele origin: germline. Not counted in ClinVar's aggregate classification.

Mayo Clinic Laboratories, Mayo Clinic
Classification: Benign. Last evaluated: 2023-01-25. Review status: criteria provided, single submitter. Criteria: ACMG Guidelines, 2015. Collection method: clinical testing. Allele origin: germline. Observed: 55 variant alleles. Not counted in ClinVar's aggregate classification.
Comment: BA1

Wong Mito Lab, Molecular and Human Genetics, Baylor College of Medicine
Classification: Benign for Very long chain acyl-CoA dehydrogenase deficiency. Last evaluated: 2019-11-01. Review status: criteria provided, single submitter. Criteria: ACMG Guidelines, 2015. Collection method: clinical testing. Allele origin: germline. Not counted in ClinVar's aggregate classification.
Comment: The NM_000018.3:c.194C>T (NP_000009.1:p.Pro65Leu) [GRCH38: NC_000017.11:g.7220519C>T] variant in ACADVL gene is interpretated to be Benign based on ACMG guidelines (PMID: 25741868). This variant has been reported. This variant meets the following evidence codes reported in the ACMG guidelines: BS1, BS2

Illumina Laboratory Services, Illumina
Classification: Benign for Very long chain acyl-CoA dehydrogenase deficiency. Last evaluated: 2018-03-06. Review status: criteria provided, single submitter. Criteria: ICSL Variant Classification Criteria 13 December 2019. Collection method: clinical testing. Allele origin: germline. Not counted in ClinVar's aggregate classification.
Comment: This variant was observed in the ICSL laboratory as part of a predisposition screen in an ostensibly healthy population. It had not been previously curated by ICSL or reported in the Human Gene Mutation Database (HGMD: prior to June 1st, 2018), and was therefore a candidate for classification through an automated scoring system. Utilizing variant allele frequency, disease prevalence and penetrance estimates, and inheritance mode, an automated score was calculated to assess if this variant is too frequent to cause the disease. Based on the score and internal cut-off values, a variant classified as benign is not then subjected to further curation. The score for this variant resulted in a classification of benign for this disease.

Center for Pediatric Genomic Medicine, Children's Mercy Hospital and Clinics
Classification: Benign. Last evaluated: 2016-10-27. Review status: criteria provided, single submitter. Criteria: ACMG Guidelines, 2015. Collection method: clinical testing. Allele origin: germline. Not counted in ClinVar's aggregate classification.

GeneDx
Classification: Benign. Last evaluated: 2014-10-08. Review status: criteria provided, single submitter. Criteria: GeneDx Variant Classification (06012015). Collection method: clinical testing. Allele origin: germline. Affected: yes. Not counted in ClinVar's aggregate classification.
Comment: This variant is considered likely benign or benign based on one or more of the following criteria: it is a conservative change, it occurs at a poorly conserved position in the protein, it is predicted to be benign by multiple in silico algorithms, and/or has population frequency not consistent with disease.

Eurofins Ntd Llc (ga)
Classification: Benign. Last evaluated: 2013-02-26. Review status: criteria provided, single submitter. Criteria: EGL Classification Definitions 2015. Collection method: clinical testing. Allele origin: germline. Observed: 3 variant alleles, 3 heterozygotes. Not counted in ClinVar's aggregate classification.

Breakthrough Genomics
Classification: Likely benign. Review status: criteria provided, single submitter. Criteria: ACMG Guidelines, 2015. Collection method: not provided. Allele origin: germline. Inheritance: Autosomal recessive inheritance. Affected: yes. Not counted in ClinVar's aggregate classification.

PreventionGenetics, part of Exact Sciences
Classification: Likely benign. Review status: criteria provided, single submitter. Criteria: ACMG Guidelines, 2015. Collection method: clinical testing. Allele origin: germline. Not counted in ClinVar's aggregate classification.

Natera, Inc.
Classification: Benign for Very long chain acyl-CoA dehydrogenase deficiency. Last evaluated: 2020-06-09. Review status: no assertion criteria provided. Collection method: clinical testing. Allele origin: germline. Not counted in ClinVar's aggregate classification.